The following is an entry in ClinVar:

NM_012463.4(ATP6V0A2):c.1016G>C (p.Arg339Pro)

Gene: ATP6V0A2 (ATPase H+ transporting V0 subunit a2; plus strand). Cytogenetic location: 12q24.31.
Variant type: single nucleotide variant.
Coding change: c.1016G>C on transcript NM_012463.4 (MANE Select); coding-DNA position 1016, G replaced by C.
Protein change: p.Arg339Pro; replaces arginine 339 with proline.
Molecular consequence: missense variant.
Genome position (GRCh38, 1-based): chr12:123,737,249, G>C. VCF-style: chr12-123737249-G-C. GRCh37 (hg19) VCF-style: chr12-124221796-G-C.
Other names: p.Arg339Pro; short protein forms R339P.
Identifiers: ClinVar variation 4541751 (VCV004541751.1).

ClinVar aggregate classification (germline): Uncertain significance (1 of 4 stars; one submission).

gnomAD v4.1: 1 of 1,614,100 alleles (0.000062%); no homozygotes.

Submission:

Mayo Clinic Laboratories, Mayo Clinic
Classification: Uncertain significance. Last evaluated: 2024-12-03. Review status: criteria provided, single submitter. Criteria: ACMG Guidelines, 2015. Collection method: clinical testing. Allele origin: germline. Observed: 1 variant allele.
Comment: PP3, PM2_supporting